The following is an entry in ClinVar:

ClinVar aggregate classification (germline): Pathogenic/Likely pathogenic. Review status: criteria provided, multiple submitters, no conflicts (2 of 4 stars). 14 submissions from 14 submitters: Pathogenic (10); Likely pathogenic (2). 2 of the submissions do not count toward it. Last evaluated 2025-07-06.

Conditions:
Loeys-Dietz syndrome 4 (LDS4). Also called: ANEURYSM, AORTIC AND CEREBRAL, WITH ARTERIAL TORTUOSITY AND SKELETAL MANIFESTATIONS; TGFB2-Related Loeys-Dietz Syndrome. Identifiers: MedGen C3553762, MONDO:0013897, OMIM 614816.
Loeys-Dietz syndrome (LDS). Identifiers: Orphanet 60030, MedGen C2697932, MONDO:0018954.
Thoracic aortic aneurysm or dissection.
TGFB2-related disorder. Also called: TGFB2-related condition.
Familial thoracic aortic aneurysm and aortic dissection (TAAD). Also called: Thoracic aortic aneurysms and dissections. Identifiers: Orphanet 91387, MedGen C4707243, MONDO:0019625.

Allele frequency attached by ClinVar (database versions not stated): gnomAD exomes below 0.00001.

Submissions (14):

Labcorp Genetics (formerly Invitae), Labcorp
Classification: Pathogenic for Loeys-Dietz syndrome 4. Last evaluated: 2025-07-06. Review status: criteria provided, single submitter. Criteria: Invitae Variant Classification Sherloc (09022015). Collection method: clinical testing. Allele origin: germline.
Comment: This sequence change replaces arginine, which is basic and polar, with glutamine, which is neutral and polar, at codon 299 of the TGFB2 protein (p.Arg299Gln). This variant is not present in population databases (gnomAD no frequency). This missense change has been observed in individuals with TGFB2-related conditions (PMID: 23102774, 25644172, 29392890, 29510914; internal data). ClinVar contains an entry for this variant (Variation ID: 381708). Invitae Evidence Modeling of protein sequence and biophysical properties (such as structural, functional, and spatial information, amino acid conservation, physicochemical variation, residue mobility, and thermodynamic stability) indicates that this missense variant is not expected to disrupt TGFB2 protein function with a negative predictive value of 80%. This variant disrupts the p.Arg299 amino acid residue in TGFB2. Other variant(s) that disrupt this residue have been determined to be pathogenic (PMID: 22772368, 23102774, 26854089). This suggests that this residue is clinically significant, and that variants that disrupt this residue are likely to be disease-causing. For these reasons, this variant has been classified as Pathogenic.

Centre of Medical Genetics, University of Antwerp
Classification: Pathogenic for Familial thoracic aortic aneurysm and aortic dissection. Last evaluated: 2024-09-06. Review status: criteria provided, single submitter. Criteria: ACMG Guidelines, 2015. Collection method: clinical testing. Allele origin: germline. Affected: yes.
Comment: P(PS4; PM1-2, 5; PP5)

North West Genomic Laboratory Hub, Manchester University NHS Foundation Trust
Classification: Pathogenic for Thoracic aortic aneurysm or dissection. Last evaluated: 2024-08-23. Review status: criteria provided, single submitter. Criteria: ACGS Best Practice Guidelines for Variant Classification in Rare Disease 2020. Collection method: clinical testing. Allele origin: germline. Affected: yes.
Comment: PM1_Mod PM2_Mod PS2_Str PS4_Mod

Women's Health and Genetics/Laboratory Corporation of America, LabCorp
Classification: Pathogenic for Loeys-Dietz syndrome. Last evaluated: 2024-07-22. Review status: criteria provided, single submitter. Criteria: LabCorp Variant Classification Summary - May 2015. Collection method: clinical testing. Allele origin: germline.
Comment: Variant summary: TGFB2 c.896G>A (p.Arg299Gln) results in a conservative amino acid change located in the Transforming growth factor-beta, C-terminal domain (IPR001839) of the encoded protein sequence. Four of five in-silico tools predict a damaging effect of the variant on protein function. The variant was absent in 250514 control chromosomes (gnomAD). c.896G>A has been reported in the literature in multiple individuals affected with features of Loeys-Dietz Syndrome (e.g. Renard_2013, Hicks_2018, Schepers_2018). These data indicate that the variant is very likely to be associated with disease. A different variant affecting the same codon has been classified as pathogenic by our lab (c.895C>T, p.Arg299Trp), supporting the critical relevance of codon 299 to TGFB2 protein function. The following publications have been ascertained in the context of this evaluation (PMID: 23102774, 31785789, 29510914, 29392890). ClinVar contains an entry for this variant (Variation ID: 381708). Based on the evidence outlined above, the variant was classified as pathogenic.

GeneDx
Classification: Likely pathogenic. Last evaluated: 2024-03-24. Review status: criteria provided, single submitter. Criteria: GeneDx Variant Classification Process June 2021. Collection method: clinical testing. Allele origin: germline. Affected: yes.
Comment: Identified in patients with TAAD and additional clinical features of Loeys-Dietz syndrome (LDS) referred for genetic testing at GeneDx and in published literature (PMID: 23102774, 25644172, 29510914); Not observed at significant frequency in large population cohorts (gnomAD); In silico analysis supports that this missense variant has a deleterious effect on protein structure/function; This variant is associated with the following publications: (PMID: 25163805, 25644172, 31785789, 29510914, 29392890, 23102774, 35982159, 33057194)

Blueprint Genetics
Classification: Pathogenic for TGFB2-related disorders. Last evaluated: 2023-01-18. Review status: criteria provided, single submitter. Criteria: ACMG Guidelines, 2015. Collection method: clinical testing. Allele origin: germline. Affected: yes. Observed: 4 variant alleles.

MGZ Medical Genetics Center
Classification: Pathogenic for Loeys-Dietz syndrome 4. Last evaluated: 2022-04-28. Review status: criteria provided, single submitter. Criteria: ACMG Guidelines, 2015. Collection method: clinical testing. Allele origin: germline. Affected: yes. Observed: 1 variant allele.
Comment: ACMG criteria applied: PS4, PM1, PM5, PM2_SUP, PP3

Victorian Clinical Genetics Services, Murdoch Childrens Research Institute
Classification: Pathogenic for Loeys-Dietz syndrome 4. Last evaluated: 2021-05-06. Review status: criteria provided, single submitter. Criteria: ACMG Guidelines, 2015. Collection method: clinical testing. Allele origin: germline. Inheritance: Autosomal dominant inheritance. Affected: yes.
Comment: Based on the classification scheme VCGS_Germline_v1.3.4, this variant is classified as Pathogenic. Following criteria are met: 0102 - Loss of function is a known mechanism of disease in this gene and is associated with Loeys-Dietz syndrome (MIM #4614816). (I) 0107 - This gene is associated with autosomal dominant disease. (I) 0200 - Variant is predicted to result in a missense amino acid change from arginine to glutamine. (I) 0251 - This variant is heterozygous. (I) 0301 - Variant is absent from gnomAD (both v2 and v3). (SP) 0502 - Missense variant with conflicting in silico predictions and uninformative conservation. (I) 0600 - Variant is located in the annotated RKKR motif in the latency-associated peptide domain (PMID: 29392890, UniProt). (I) 0704 - Another missense variant comparable to the one identified in this case has limited previous evidence for pathogenicity. The p.(Arg299Trp) variant has been classified as both pathogenic and likely pathogenic by diagnostic laboratories in ClinVar. (SP) 0801 - This variant has strong previous evidence of pathogenicity in unrelated individuals. This variant has been reported in multiple patients with aortic aneurysms and/or features of a connective tissue disorder (PMIDs: 23102774, 25644172, 29510914, ClinVar). Additionally, this variant has been reported as de novo in one patient (Decipher). (SP) 0905 - No published segregation evidence has been identified for this variant. (I) 1007 - No published functional evidence has been identified for this variant. (I) 1208 - Inheritance information for this variant is not currently available in this individual. (I) Legend: (SP) - Supporting pathogenic, (I) - Information, (SB) - Supporting benign

Ambry Genetics
Classification: Pathogenic for Familial thoracic aortic aneurysm and aortic dissection. Last evaluated: 2021-05-04. Review status: criteria provided, single submitter. Criteria: Ambry Variant Classification Scheme 2023. Collection method: clinical testing. Allele origin: germline.
Comment: The p.R299Q variant (also known as c.896G>A), located in coding exon 5 of the TGFB2 gene, results from a G to A substitution at nucleotide position 896. The arginine at codon 299 is replaced by glutamine, an amino acid with highly similar properties. This variant (described as NM_001135599.2 c.980G>A p.R327Q) has been reported in individuals with syndromic thoracic aortic aneurysm findings and in a Loeys-Dietz syndrome cohort with limited clinical details (Renard M et al. Int. J. Cardiol., 2013 May;165:584-7; Campens L et al. Orphanet J Rare Dis, 2015 Feb;10:9; Schepers D et al. Hum Mutat, 2018 05;39:621-634; Hicks KL et al. J Vasc Surg, 2018 09;68:701-711). Based on internal structural analysis, this variant is anticipated to disrupt a region of known function (van de Ven WJ et al. Mol. Biol. Rep., 1990 Nov;14:265-75;Van de Ven WJ et al. Enzyme, 1991;45:257-70; Molloy SS et al. J. Biol. Chem., 1992 Aug;267:16396-402; Dubois CM et al. J. Biol. Chem., 1995 May;270:10618-24; Nakayama K. Biochem. J., 1997 Nov;327 ( Pt 3):625-35; Khalil N. Microbes Infect., 1999 Dec;1:1255-63; Schepers D et al. Hum. Mutat., 2018 05;39:621-634). This variant is considered to be rare based on population cohorts in the Genome Aggregation Database (gnomAD). This amino acid position is highly conserved in available vertebrate species. In addition, this alteration is predicted to be deleterious by in silico analysis. Based on the supporting evidence, this alteration is interpreted as a disease-causing mutation.

CHEO Genetics Diagnostic Laboratory, Children's Hospital of Eastern Ontario
Classification: Likely pathogenic for Familial thoracic aortic aneurysm and aortic dissection. Last evaluated: 2018-02-05. Review status: criteria provided, single submitter. Criteria: ACMG Guidelines, 2015. Collection method: clinical testing. Allele origin: germline.

Center for Human Genetics, Inc
Classification: Pathogenic for Loeys-Dietz syndrome 4. Last evaluated: 2016-11-01. Review status: criteria provided, single submitter. Criteria: ACMG Guidelines, 2015. Collection method: clinical testing. Allele origin: germline. Affected: yes.

3billion
Classification: Pathogenic for Loeys-Dietz syndrome 4. Review status: criteria provided, single submitter. Criteria: ACMG Guidelines, 2015. Collection method: clinical testing. Allele origin: unknown. Affected: yes. Observed: 1 heterozygote.
Comment: The variant is not observed in the gnomAD v2.1.1 dataset. Protein truncation variants are a common disease-causing mechanism. In silico tool predictions suggest damaging effect of the variant on gene or gene product (REVEL: 0.57; 3Cnet: 0.91). The same nucleotide change resulting in the same amino acid change has been previously reported as pathogenic/likely pathogenic with strong evidence (ClinVar ID:VCV000381708/PMID:23102774). The variant has been observed in at least two similarly affected unrelated individuals (PMID: 25644172, 29392890, 29510914). A different missense change at the the same codon (p.Arg299Trp) has been reported as pathogenic/likely pathogenic with strong evidence (ClinVar ID: VCV000213845 / PMID: 22772368). Therefore, this variant is classified as pathogenic according to the recommendation of ACMG/AMP guideline.

Clinical Genetics DNA and cytogenetics Diagnostics Lab, Erasmus MC, Erasmus Medical Center
Classification: Likely pathogenic. Review status: no assertion criteria provided. Collection method: clinical testing. Allele origin: germline. Affected: yes. Study: VKGL Data-share Consensus. Not counted in ClinVar's aggregate classification.

Joint Genome Diagnostic Labs from Nijmegen and Maastricht, Radboudumc and MUMC+
Classification: Pathogenic. Review status: no assertion criteria provided. Collection method: clinical testing. Allele origin: germline. Affected: yes. Study: VKGL Data-share Consensus. Not counted in ClinVar's aggregate classification.

Literature cited by the submitters: PubMed 23102774 (cited by 5 submitters); PubMed 25644172 (cited by 4 submitters); PubMed 29392890 (cited by 5 submitters); PubMed 29510914 (cited by 5 submitters); PubMed 22772368 (cited by Labcorp Genetics (formerly Invitae), Labcorp and 3billion); PubMed 26854089 (cited by Labcorp Genetics (formerly Invitae), Labcorp); PubMed 31785789 (cited by Women's Health and Genetics/Laboratory Corporation of America, LabCorp); PubMed 10611753 (cited by Ambry Genetics); PubMed 1644824 (cited by Ambry Genetics); PubMed 1843280 (cited by Ambry Genetics); PubMed 2094803 (cited by Ambry Genetics); PubMed 7737999 (cited by Ambry Genetics); PubMed 9599222 (cited by Ambry Genetics).

NM_003238.6(TGFB2):c.896G>A (p.Arg299Gln)

Gene: TGFB2 (transforming growth factor beta 2; plus strand). Cytogenetic location: 1q41.
Variant type: single nucleotide variant.
Coding change: c.896G>A on transcript NM_003238.6 (MANE Select); coding-DNA position 896, G replaced by A.
Protein change: p.Arg299Gln; replaces arginine 299 with glutamine.
Molecular consequence: missense variant. On other transcripts: non-coding transcript variant (2).
Genome position (GRCh38, 1-based): chr1:218,436,111, G>A. VCF-style: chr1-218436111-G-A. GRCh37 (hg19) VCF-style: chr1-218609453-G-A.
Other names: c.980G>A, p.Arg327Gln (NM_001135599.4); short protein forms R299Q, R327Q.
Identifiers: ClinVar variation 381708 (VCV000381708.33), dbSNP rs1057521150, ClinGen allele CA16603488.